The following is an entry in ClinVar:

ClinVar aggregate classification (germline): Benign. Review status: criteria provided, multiple submitters, no conflicts (2 of 4 stars). 3 submissions from 3 submitters: Benign (3). Last evaluated 2026-02-03.

Allele frequency attached by ClinVar (database versions not stated): 1000 Genomes Project 0.00419; 1000 Genomes Project 30x 0.00422; gnomAD 0.00693; ESP Exome Variant Server 0.00761; TOPMed 0.00765; ExAC 0.00771.
gnomAD v4.1: 14,667 of 1,607,684 alleles (0.91%); highest among the groups gnomAD compares: Non-Finnish European, 1.1%; 105 homozygotes.

Submissions (3):

Labcorp Genetics (formerly Invitae), Labcorp
Classification: Benign. Last evaluated: 2026-02-03. Review status: criteria provided, single submitter. Criteria: Invitae Variant Classification Sherloc (09022015). Collection method: clinical testing. Allele origin: germline.

Women's Health and Genetics/Laboratory Corporation of America, LabCorp
Classification: Benign. Last evaluated: 2026-01-29. Review status: criteria provided, single submitter. Criteria: LabCorp Variant Classification Summary - May 2015. Collection method: clinical testing. Allele origin: germline.
Comment: Variant summary: POLD2 c.467-6C>T alters a nucleotide located at a position not widely known to affect splicing. Consensus agreement among computation tools predict no significant impact on normal splicing. However, these predictions have yet to be confirmed by functional studies. The variant allele was found at a frequency of 0.0069 in 248276 control chromosomes in the gnomAD database, including 12 homozygotes. The observed variant frequency exceeds the estimated maximal expected allele frequency for disease-causing variants in POLD2. To our knowledge, no occurrence of c.467-6C>T in individuals affected with POLD2-related conditions and no experimental evidence demonstrating its impact on protein function have been reported. ClinVar contains an entry for this variant (Variation ID: 2039421). Based on the evidence outlined above, the variant was classified as benign.

CeGaT Center for Human Genetics Tuebingen
Classification: Benign. Last evaluated: 2022-11-01. Review status: criteria provided, single submitter. Criteria: CeGaT Center For Human Genetics Tuebingen Variant Classification Criteria Version 2. Collection method: clinical testing. Allele origin: germline. Affected: yes. Observed: 4 variant alleles.
Comment: POLD2: BP4, BS1, BS2

NM_006230.4(POLD2):c.467-6C>T

Gene: POLD2 (DNA polymerase delta 2, accessory subunit; minus strand). Cytogenetic location: 7p13.
Variant type: single nucleotide variant.
Coding change: c.467-6C>T on transcript NM_006230.4 (MANE Select); 6 bases into the intron before coding-DNA position 467, C replaced by T.
Molecular consequence: intron variant.
Genome position (GRCh38, 1-based): chr7:44,117,253, G>A on the plus strand (C>T on the coding strand, the complement: POLD2 is on the minus strand). VCF-style: chr7-44117253-G-A. GRCh37 (hg19) VCF-style: chr7-44156852-G-A.
Other names: c.467-6C>T (NM_001127218.3, NM_001256879.2).
Identifiers: ClinVar variation 2039421 (VCV002039421.29), dbSNP rs41279615, ClinGen allele CA4238835.